The following is an entry in ClinVar:

ClinVar aggregate classification (germline): Pathogenic/Likely pathogenic. Review status: criteria provided, multiple submitters, no conflicts (2 of 4 stars). 28 submissions from 28 submitters: Pathogenic (22); Likely pathogenic (2). 4 of the submissions do not count toward it. Last evaluated 2026-01-14.

Conditions:
Chondrodysplasia. Identifiers: MedGen C0343284, MONDO:0022723.
SBDS-related disorder. Also called: SBDS-related condition.
Shwachman syndrome. Also called: Shwachman-Diamond Syndrome; PANCREATIC INSUFFICIENCY AND BONE MARROW DYSFUNCTION; SHWACHMAN-BODIAN SYNDROME. Identifiers: Orphanet 811, MedGen C0272170, MONDO:0009833.
Shwachman-Diamond syndrome 1 (SDS1). Also called: LIPOMATOSIS OF PANCREAS, CONGENITAL. Identifiers: MedGen C4692625, MONDO:0044204, OMIM 260400.
Aplastic anemia. Identifiers: Orphanet 182040, Orphanet 88, MedGen C0002874, MONDO:0015909, OMIM 609135, HP:0001915.
Inborn genetic diseases. Identifiers: MedGen C0950123, MeSH D030342.
Intellectual disability. Also called: Intellectual functioning disability; Intellectual developmental disorder; intellectual disabilities. Identifiers: MedGen C3714756, MeSH D008607, MONDO:0001071, HP:0001249.
Short stature. Identifiers: MedGen C0349588, HP:0004322.
Deeply set eye. Also called: Deep-set eyes; sunken eyes. Identifiers: MedGen C0423224, HP:0000490.
Agenesis of permanent teeth. Also called: Anodontia of permanent dentition. Identifiers: MedGen C1290511, OMIM 206780, HP:0006349.
Splenomegaly. Also called: Enlarged Spleen. Identifiers: MedGen C0038002, HP:0001744.
Microcephaly. Also called: Microcephaly (disease). Identifiers: MedGen C4551563, MONDO:0001149, HP:0000252.

Allele frequency attached by ClinVar (database versions not stated): gnomAD 0.00099 and 0.00105; 1000 Genomes Project 30x 0.00187; gnomAD exomes 0.00017 and 0.00047; ExAC 0.00041; 1000 Genomes Project 0.00060.
gnomAD v4.1: 850 of 1,613,228 alleles (0.053%); highest among the groups gnomAD compares: Admixed American, 0.12%; no homozygotes.

Submissions 1 to 10 of 28:

Dasa
Classification: Pathogenic. Last evaluated: 2026-01-14. Review status: criteria provided, single submitter. Criteria: DASA Assertion Criteria. Collection method: clinical testing. Allele origin: germline.
Comment: NM_016038.4(SBDS):c.184A>T (p.Lys62Ter) introduces a premature termination codon predicted to result in loss of normal protein function. Loss-of-function is an established mechanism of disease for this gene. This variant has been observed in affected individuals with related phenotype in a genotype context consistent with recessive disease (PMID: 12496757; PMID: 15284109; PMID: 15769891; PMID: 24388329; PMID: 15860664). Functional evidence supports a deleterious effect on the gene or gene product (PMID: 12496757; PMID: 15284109; PMID: 15769891; PMID: 24388329; PMID: 15860664). This variant has been recurrently observed in individuals with related phenotype (PMID: 12496757; PMID: 15284109; PMID: 15769891; PMID: 24388329; PMID: 15860664). The variant is present at low frequency in population datasets. Based on the available data, this variant is classified as pathogenic.

3billion
Classification: Pathogenic for Shwachman-Diamond syndrome 1. Last evaluated: 2025-06-10. Review status: criteria provided, single submitter. Criteria: ACMG Guidelines, 2015. Collection method: clinical testing. Allele origin: germline. Affected: yes.
Comment: The variant is observed at an extremely low frequency in the gnomAD v4.1.0 dataset (total allele frequency: 0.053%). Predicted Consequence/Location: Stop-gained (nonsense): predicted to result in a loss or disruption of normal protein function through nonsense-mediated decay (NMD) or protein truncation. Multiple pathogenic variants are reported downstream of the variant. The variant has been reported to be in trans with a pathogenic variant as either compound heterozygous or homozygous in at least one similarly affected unrelated individual (3billion dataset). The variant has been reported at least twice as pathogenic with clinical assertions and evidence for the classification (ClinVar ID: VCV000449095 /PMID: 27290639 /3billion dataset). Therefore, this variant is classified as Pathogenic according to the recommendation of ACMG/AMP guideline.

Laboratory of Genetics, Children's Clinical University Hospital Latvia
Classification: Pathogenic. Last evaluated: 2025-02-16. Review status: criteria provided, single submitter. Criteria: ACMG Guidelines, 2015. Collection method: clinical testing. Allele origin: germline. Affected: yes.

Rady Children's Institute for Genomic Medicine, Rady Children's Hospital San Diego
Classification: Pathogenic for Shwachman-Diamond syndrome. Last evaluated: 2025-02-13. Review status: criteria provided, single submitter. Criteria: ACMG Guidelines, 2015. Collection method: clinical testing. Allele origin: germline. Affected: yes.
Comment: This nonsense variant found in exon 2 of 5 introduces a premature stop codon and is therefore predicted to result in loss of normal protein function through NMD. This is a common Pathogenic variant found in individuals with Shwachman-Diamond syndrome, which arises from a gene conversion event with a nearby SBDS pseudogene (PMID: 20301722, 12496757, 19222471). This variant has been previously reported as a compound heterozygous change in patients with Shwachman-Diamond syndrome (PMID: 29892551, 12496757, 19222471). Functional studies suggest that the c.184A>T (p.Lys62Ter) variant alters the protein's cellular localization and motility (PMID: 21695142). It is present in the gnomAD population database at an allele frequency of 0.026% (73/282686) and absent in the homozygous state. Based on the available evidence, c.184A>T (p.Lys62Ter) is classified as Pathogenic.

Broad Center for Mendelian Genomics, Broad Institute of MIT and Harvard
Classification: Pathogenic for Shwachman-Diamond syndrome 1. Last evaluated: 2025-02-06. Review status: criteria provided, single submitter. Criteria: ACMG Guidelines, 2015. Collection method: curation. Allele origin: germline. Inheritance: Autosomal recessive inheritance.
Comment: The p.Lys62Ter variant in SBDS has been reported in >10 individuals with Shwachman-Diamond syndrome (PMID: 12496757, 15284109, 15769891, 24388329), and has been identified in 0.1% (69/59956) of Admixed chromosomes by the Genome Aggregation Database (gnomAD; dbSNP rs120074160). Although this variant has been seen in the general population in the heterozygous state, its frequency is not high enough to rule out a pathogenic role. The presence of a known pseudogene, SBDSP1, can also impact the reliability of allele frequencies. This variant has also been reported in ClinVar (Variation ID: 449095) and has been interpreted as Pathogenic or Likely pathogenic by multiple submitters. Of the affected individuals, many were compound heterozygotes that carried a reported pathogenic variant in trans (Variation ID: 3196; PMID: 12496757, 15284109, 15769891, 24388329). In vitro functional studies provide evidence that the p.Lys62Ter variant may impact protein function (PMID: 15284109, 15860664). However, these types of assays may not accurately represent biological function. This nonsense variant leads to a premature termination codon at position 62, which is predicted to lead to a truncated or absent protein. Loss of function of the SBDS gene is an established disease mechanism in autosomal recessive Shwachman-Diamond syndrome. In summary, this variant meets criteria to be classified as Pathogenic for autosomal recessive Shwachman-Diamond syndrome. ACMG/AMP Criteria applied: PM3_very-strong, PVS1, PS3 (Richards 2015).

Blueprint Genetics
Classification: Pathogenic for SBDS-related disorders. Last evaluated: 2024-11-14. Review status: criteria provided, single submitter. Criteria: ACMG Guidelines, 2015. Collection method: clinical testing. Allele origin: germline. Affected: yes. Observed: 5 variant alleles.

Revvity Omics, Revvity
Classification: Pathogenic for Shwachman-Diamond syndrome 1. Last evaluated: 2024-09-16. Review status: criteria provided, single submitter. Criteria: ACMG Guidelines, 2015. Collection method: clinical testing. Allele origin: germline.

Women's Health and Genetics/Laboratory Corporation of America, LabCorp
Classification: Pathogenic for Shwachman-Diamond syndrome 1. Last evaluated: 2024-08-22. Review status: criteria provided, single submitter. Criteria: LabCorp Variant Classification Summary - May 2015. Collection method: clinical testing. Allele origin: germline.
Comment: Variant summary: SBDS c.184A>T (p.Lys62X) results in a premature termination codon, predicted to cause a truncation of the encoded protein or absence of the protein due to nonsense mediated decay, which are commonly known mechanisms for disease. The variant allele was found at a frequency of 0.00017 in 251300 control chromosomes. This frequency is not significantly higher than estimated for a pathogenic variant in SBDS causing Shwachman-Diamond Syndrome 1, allowing no conclusion about variant significance. c.184A>T has been reported in the literature in multiple individuals affected with Shwachman-Diamond Syndrome 1 (examples:Furutani_2022, Walne_2021, Mitri_2021). These data indicate that the variant is very likely to be associated with disease. This variant is also reported as c.183_184delTAinsCT. The following publications have been ascertained in the context of this evaluation (PMID: 34758064, 33871916, 34625797). ClinVar contains an entry for this variant (Variation ID: 449095). Based on the evidence outlined above, the variant was classified as pathogenic.

Fulgent Genetics
Classification: Pathogenic for Shwachman-Diamond syndrome 1; Aplastic anemia. Last evaluated: 2024-05-17. Review status: criteria provided, single submitter. Criteria: ACMG Guidelines, 2015. Collection method: clinical testing. Allele origin: germline.

Ambry Genetics
Classification: Pathogenic for Inborn genetic diseases. Last evaluated: 2024-01-24. Review status: criteria provided, single submitter. Criteria: Ambry Variant Classification Scheme 2023. Collection method: clinical testing. Allele origin: germline.
Comment: The c.184A>T (p.K62*) alteration, located in exon 2 (coding exon 2) of the SBDS gene, consists of a A to T substitution at nucleotide position 184. This changes the amino acid from a lysine (K) to a stop codon at amino acid position 62. This alteration is expected to result in loss of function by premature protein truncation or nonsense-mediated mRNA decay. Based on data from gnomAD, the T allele has an overall frequency of 0.026% (73/282686) total alleles studied. The highest observed frequency was 0.045% (9/19936) of East Asian alleles. This variant has been confirmed in trans with a SBDS pathogenic variant in an individual with clinical features of Shwachman-Diamond syndrome (Tan, 2021). Based on the available evidence, this alteration is classified as pathogenic.

NM_016038.4(SBDS):c.184A>T (p.Lys62Ter)

Gene: SBDS (SBDS ribosome maturation factor; minus strand). Cytogenetic location: 7q11.21.
Variant type: single nucleotide variant.
Coding change: c.184A>T on transcript NM_016038.4 (MANE Select); coding-DNA position 184, A replaced by T.
Protein change: p.Lys62Ter; replaces lysine 62 with a stop codon.
Molecular consequence: nonsense.
Genome position (GRCh38, 1-based): chr7:66,994,286, T>A on the plus strand (A>T on the coding strand, the complement: SBDS is on the minus strand). VCF-style: chr7-66994286-T-A. GRCh37 (hg19) VCF-style: chr7-66459273-T-A.
Other names: NM_016038.4(SBDS):c.184A>T; p.Lys62Ter; c.184A>T (NM_016038.3, LRG_104t1); c.[184A>T] (NM_016038.2); short protein forms K62*.
Identifiers: ClinVar variation 449095 (VCV000449095.36), dbSNP rs120074160, ClinGen allele CA4279222.